The following is an entry in ClinVar:

NM_000257.4(MYH7):c.2244C>T (p.Ser748=)

Gene: MYH7 (myosin heavy chain 7; minus strand). Cytogenetic location: 14q11.2.
Variant type: single nucleotide variant.
Coding change: c.2244C>T on transcript NM_000257.4 (MANE Select); coding-DNA position 2244, C replaced by T.
Protein change: p.Ser748=; no amino-acid change (serine 748 retained).
Molecular consequence: synonymous variant.
Genome position (GRCh38, 1-based): chr14:23,425,737, G>A on the plus strand (C>T on the coding strand, the complement: MYH7 is on the minus strand). VCF-style: chr14-23425737-G-A. GRCh37 (hg19) VCF-style: chr14-23894946-G-A.
Identifiers: ClinVar variation 927733 (VCV000927733.13), dbSNP rs1439599919, ClinGen allele CA485766923.
Genomic context (GRCh38, chr14:23,425,737, plus strand): 5'-TTAGTCTCCTTTCCTCACCTTGGTGTGGCCAAACTTGTACTGGTTGTGATCAATGTCCAG[G>A]GAGCTGAGCAGCTTCTCTGCCCCCTTCCTGCTATCAATGAACTGTCCCTCAGGGATGGCC-3'
Protein context (NP_000248.2, residues 738-758): SRKGAEKLLS[Ser748=]LDIDHNQYKF

ClinVar aggregate classification (germline): Benign/Likely benign. Review status: criteria provided, multiple submitters, no conflicts (2 of 4 stars). 5 submissions from 5 submitters: Benign (1); Likely benign (4). Last evaluated 2026-01-14.

Conditions:
Hypertrophic cardiomyopathy. Also called: HYPERTROPHIC MYOCARDIOPATHY. Identifiers: Orphanet 217569, MedGen C0007194, MeSH D002312, MONDO:0005045, HP:0001639.
Cardiomyopathy (CMYO). Also called: Cardiomyopathies. Identifiers: Orphanet 167848, MedGen C0878544, MONDO:0004994, HP:0001638. Inheritance: Various modes of inheritance.
Cardiovascular phenotype. Identifiers: MedGen CN230736.

Allele frequency attached by ClinVar (database versions not stated): TOPMed below 0.00001; gnomAD 0.00001; gnomAD exomes 0.00001.
gnomAD v4.1: 11 of 1,613,852 alleles (0.00068%); highest among the groups gnomAD compares: African/African-American, 0.0013%; no homozygotes.

Submissions (5):

Labcorp Genetics (formerly Invitae), Labcorp
Classification: Likely benign for Hypertrophic cardiomyopathy. Last evaluated: 2026-01-14. Review status: criteria provided, single submitter. Criteria: Invitae Variant Classification Sherloc (09022015). Collection method: clinical testing. Allele origin: germline.

All of Us Research Program, National Institutes of Health
Classification: Likely benign for Cardiomyopathy. Last evaluated: 2024-08-23. Review status: criteria provided, single submitter. Criteria: ACMG Guidelines, 2015. Collection method: clinical testing. Allele origin: germline. Inheritance: Autosomal dominant inheritance. Observed: 4 variant alleles, 4 heterozygotes.
Comment: This study involves interpretation of variants in research participants for the purpose of population health screening. Participant phenotype was not available at the time of variant classification. Additional details can be found in publication PMID: 35346344, PMCID: PMC8962531

Ambry Genetics
Classification: Likely benign for Cardiovascular phenotype. Last evaluated: 2023-09-22. Review status: criteria provided, single submitter. Criteria: Ambry Variant Classification Scheme 2023. Collection method: clinical testing. Allele origin: germline.

Color Diagnostics, LLC DBA Color Health
Classification: Likely benign for Cardiomyopathy. Last evaluated: 2018-11-27. Review status: criteria provided, single submitter. Criteria: ACMG Guidelines, 2015. Collection method: clinical testing. Allele origin: germline.

GeneDx
Classification: Benign. Last evaluated: 2015-03-03. Review status: criteria provided, single submitter. Criteria: GeneDx Variant Classification Process June 2021. Collection method: clinical testing. Allele origin: germline. Affected: yes.